The following is an entry in ClinVar:

ClinVar aggregate classification (germline): Likely benign. Review status: criteria provided, single submitter (1 of 4 stars). 2 submissions from 2 submitters: Likely benign (1). 1 of the submissions does not count toward it. Last evaluated 2025-12-31.

Conditions:
MPV17-related disorder. Also called: MPV17-related disorders; MPV17-related condition. Identifiers: MedGen CN239328.

Allele frequency attached by ClinVar (database versions not stated): gnomAD exomes 0.00001 and 0.00002; ExAC 0.00002; TOPMed 0.00002.
gnomAD v4.1: 18 of 1,614,112 alleles (0.0011%); highest among the groups gnomAD compares: Middle Eastern, 0.016%; no homozygotes.

Submissions (2):

Labcorp Genetics (formerly Invitae), Labcorp
Classification: Likely benign. Last evaluated: 2025-12-31. Review status: criteria provided, single submitter. Criteria: Invitae Variant Classification Sherloc (09022015). Collection method: clinical testing. Allele origin: germline.

PreventionGenetics, part of Exact Sciences
Classification: Likely benign for MPV17-related condition. Last evaluated: 2019-07-12. Review status: no assertion criteria provided. Collection method: clinical testing. Allele origin: germline. Not counted in ClinVar's aggregate classification.
Comment: This variant is classified as likely benign based on ACMG/AMP sequence variant interpretation guidelines (Richards et al. 2015 PMID: 25741868, with internal and published modifications).

NM_002437.5(MPV17):c.45G>A (p.Pro15=)

Gene: MPV17 (mitochondrial inner membrane protein MPV17; minus strand). Cytogenetic location: 2p23.3.
Variant type: single nucleotide variant.
Coding change: c.45G>A on transcript NM_002437.5 (MANE Select); coding-DNA position 45, G replaced by A.
Protein change: p.Pro15=; no amino-acid change (proline 15 retained).
Molecular consequence: synonymous variant.
Genome position (GRCh38, 1-based): chr2:27,322,473, C>T on the plus strand (G>A on the coding strand, the complement: MPV17 is on the minus strand). VCF-style: chr2-27322473-C-T. GRCh37 (hg19) VCF-style: chr2-27545340-C-T.
Other names: c.45G>A (NM_002437.4).
Identifiers: ClinVar variation 1104631 (VCV001104631.11), dbSNP rs778886974, ClinGen allele CA1575720.